The following is an entry in ClinVar:

NM_198576.4(AGRN):c.3409G>A (p.Val1137Ile)

Gene: AGRN (agrin; plus strand). Cytogenetic location: 1p36.33.
Variant type: single nucleotide variant.
Coding change: c.3409G>A on transcript NM_198576.4 (MANE Select); coding-DNA position 3409, G replaced by A.
Protein change: p.Val1137Ile; replaces valine 1137 with isoleucine.
Molecular consequence: missense variant.
Genome position (GRCh38, 1-based): chr1:1,047,347, G>A. VCF-style: chr1-1047347-G-A. GRCh37 (hg19) VCF-style: chr1-982727-G-A.
Other names: c.3409G>A, p.Val1137Ile (NM_001305275.2); c.3094G>A, p.Val1032Ile (NM_001364727.2); short protein forms V1137I, V1032I.
Identifiers: ClinVar variation 575641 (VCV000575641.10), dbSNP rs778480770, ClinGen allele CA509063.

ClinVar aggregate classification (germline): Uncertain significance (1 of 4 stars; one submission).

Conditions:
Congenital myasthenic syndrome 8. Also called: Myasthenic syndrome, congenital, 8, with pre- and postsynaptic defects; MYASTHENIC SYNDROME, CONGENITAL, DUE TO AGRIN DEFICIENCY. Identifiers: Orphanet 590, MedGen C3808739, MONDO:0014052, OMIM 615120.

Allele frequency attached by ClinVar (database versions not stated): ExAC 0.00001; gnomAD 0.00002; TOPMed 0.00001; gnomAD exomes 0.00001.
gnomAD v4.1: 49 of 1,606,708 alleles (0.003%); highest among the groups gnomAD compares: Non-Finnish European, 0.0038%; no homozygotes.

Submission:

Labcorp Genetics (formerly Invitae), Labcorp
Classification: Uncertain significance for Congenital myasthenic syndrome 8. Last evaluated: 2024-10-25. Review status: criteria provided, single submitter. Criteria: Invitae Variant Classification Sherloc (09022015). Collection method: clinical testing. Allele origin: germline.
Comment: This sequence change replaces valine, which is neutral and non-polar, with isoleucine, which is neutral and non-polar, at codon 1137 of the AGRN protein (p.Val1137Ile). This variant is present in population databases (rs778480770, gnomAD 0.005%). This variant has not been reported in the literature in individuals affected with AGRN-related conditions. ClinVar contains an entry for this variant (Variation ID: 575641). An algorithm developed to predict the effect of missense changes on protein structure and function (PolyPhen-2) suggests that this variant is likely to be disruptive. In summary, the available evidence is currently insufficient to determine the role of this variant in disease. Therefore, it has been classified as a Variant of Uncertain Significance.